The following is an entry in ClinVar:

NM_018942.3(HMX1):c.41C>G (p.Ala14Gly)

Gene: HMX1 (H6 family homeobox 1; minus strand). Cytogenetic location: 4p16.1.
Variant type: single nucleotide variant.
Coding change: c.41C>G on transcript NM_018942.3 (MANE Select); coding-DNA position 41, C replaced by G.
Protein change: p.Ala14Gly; replaces alanine 14 with glycine.
Molecular consequence: missense variant.
Genome position (GRCh38, 1-based): chr4:8,871,574, G>C on the plus strand (C>G on the coding strand, the complement: HMX1 is on the minus strand). VCF-style: chr4-8871574-G-C. GRCh37 (hg19) VCF-style: chr4-8873300-G-C.
Other names: c.41C>G, p.Ala14Gly (NM_001306142.2); short protein forms A14G.
Identifiers: ClinVar variation 1902018 (VCV001902018.5), dbSNP rs2474398476, ClinGen allele CA356279517.

ClinVar aggregate classification (germline): Uncertain significance (1 of 4 stars; one submission).

gnomAD v4.1: 2 of 1,351,338 alleles (0.00015%); highest among the groups gnomAD compares: Non-Finnish European, 0.000095%; no homozygotes.

Submission:

Labcorp Genetics (formerly Invitae), Labcorp
Classification: Uncertain significance. Last evaluated: 2022-08-11. Review status: criteria provided, single submitter. Criteria: Invitae Variant Classification Sherloc (09022015). Collection method: clinical testing. Allele origin: germline.
Comment: In summary, the available evidence is currently insufficient to determine the role of this variant in disease. Therefore, it has been classified as a Variant of Uncertain Significance. Algorithms developed to predict the effect of missense changes on protein structure and function are either unavailable or do not agree on the potential impact of this missense change (SIFT: "Deleterious"; PolyPhen-2: "Not Available"; Align-GVGD: "Class C0"). This variant has not been reported in the literature in individuals affected with HMX1-related conditions. This variant is not present in population databases (gnomAD no frequency). This sequence change replaces alanine, which is neutral and non-polar, with glycine, which is neutral and non-polar, at codon 14 of the HMX1 protein (p.Ala14Gly).